The following is an entry in ClinVar:

NM_001267550.2(TTN):c.100924_100940del (p.Tyr33642fs)

Genes: TTN-AS1 (TTN antisense RNA 1; plus strand), TTN (titin; minus strand). Cytogenetic location: 2q31.2.
Variant type: Deletion.
Coding change: c.100924_100940del on transcript NM_001267550.2 (MANE Select); coding-DNA positions 100924 to 100940, 17 bases deleted (TACCAAGTTATTGTCAC).
Protein change: p.Tyr33642fs; shifts the reading frame from tyrosine 33642.
Molecular consequence: frameshift variant.
Genome position (GRCh38, 1-based): chr2:178,535,675-178,535,691, GTGACAATAACTTGGTA deleted on the plus strand (TACCAAGTTATTGTCAC on the coding strand, the reverse complement: TTN is on the minus strand); deleting any 17 consecutive bases within chr2:178,535,675-178,535,694 gives the same sequence; the c. name uses the placement nearest the transcript's 3' end. VCF-style (leftmost placement, unchanged base first): chr2-178535674-TGTGACAATAACTTGGTA-T. GRCh37 (hg19) VCF-style: chr2-179400401-TGTGACAATAACTTGGTA-T.
Other names: c.96001_96017del, p.Tyr32001fs (NM_001256850.1); c.73729_73745del, p.Tyr24577fs (NM_003319.4); c.93220_93236del, p.Tyr31074fs (NM_133378.4); c.74104_74120del, p.Tyr24702fs (NM_133432.3); c.74305_74321del, p.Tyr24769fs (NM_133437.4); short protein forms Y24577fs, Y31074fs, Y32001fs, Y24702fs, Y33642fs, Y24769fs.
Identifiers: ClinVar variation 2950196 (VCV002950196.3), dbSNP rs2468583750, ClinGen allele CA2740096314.

ClinVar aggregate classification (germline): Likely pathogenic (1 of 4 stars; one submission).

Conditions:
Dilated cardiomyopathy 1G (CMD1G). Identifiers: Orphanet 154, MedGen C1858763, MONDO:0011400, OMIM 604145.
Autosomal recessive limb-girdle muscular dystrophy type 2J (LGMDR10). Also called: Limb-girdle muscular dystrophy, type 2J; MUSCULAR DYSTROPHY, LIMB-GIRDLE, AUTOSOMAL RECESSIVE 10. Identifiers: Orphanet 140922, MedGen C1837342, MONDO:0012127, OMIM 608807.

Submission:

Labcorp Genetics (formerly Invitae), Labcorp
Classification: Likely pathogenic for Dilated cardiomyopathy 1G; Autosomal recessive limb-girdle muscular dystrophy type 2J. Last evaluated: 2023-07-22. Review status: criteria provided, single submitter. Criteria: Invitae Variant Classification Sherloc (09022015). Collection method: clinical testing. Allele origin: germline.
Comment: This sequence change creates a premature translational stop signal (p.Tyr33642Lysfs*25) in the TTN gene. While this is not anticipated to result in nonsense mediated decay, it is expected to create a truncated TTN protein. This variant is not present in population databases (gnomAD no frequency). This variant has not been reported in the literature in individuals affected with TTN-related conditions. This variant is located in the M band of TTN (PMID: 25589632). Truncating variants in this region have been previously reported in individuals affected with autosomal recessive myopathy and muscular dystrophy (PMID: 18948003, 23975875, 24395473), but have not been definitively shown to cause cardiomyopathy (PMID: 25589632). In summary, the currently available evidence indicates that the variant is pathogenic, but additional data are needed to prove that conclusively. Therefore, this variant has been classified as Likely Pathogenic.

Literature cited by the submitters: PubMed 25589632; PubMed 18948003; PubMed 23975875; PubMed 24395473.